The following is an entry in ClinVar:

NM_002637.4(PHKA1):c.3244-19T>C

Gene: PHKA1 (phosphorylase kinase regulatory subunit alpha 1; minus strand). Cytogenetic location: Xq13.1.
Variant type: single nucleotide variant.
Coding change: c.3244-19T>C on transcript NM_002637.4 (MANE Select); 19 bases into the intron before coding-DNA position 3244, T replaced by C.
Molecular consequence: intron variant.
Genome position (GRCh38, 1-based): chrX:72,584,321, A>G on the plus strand (T>C on the coding strand, the complement: PHKA1 is on the minus strand). VCF-style: chrX-72584321-A-G. GRCh37 (hg19) VCF-style: chrX-71804171-A-G.
Other names: c.3028-19T>C (NM_001172436.2); c.3205-19T>C (NM_001122670.2).
Identifiers: ClinVar variation 3019185 (VCV003019185.4), dbSNP rs369668454, ClinGen allele CA10450500.
Genomic context (GRCh38, chrX:72,584,321, plus strand): 5'-AGAGGAAGGAAGGACAAACCCTTCAACAGAAAGTCCGTGACACTGCAAAACAGAAAAAAA[A>G]CCATATCACCAAAAACCATATCACCAAGGATAGACAAACAACGGGGAGGCTATGAGGAGA-3'

ClinVar aggregate classification (germline): Likely benign. Review status: criteria provided, multiple submitters, no conflicts (2 of 4 stars). 2 submissions from 2 submitters: Likely benign (2). Last evaluated 2024-12-02.

Conditions:
Glycogen storage disease IXd (GSD9D). Also called: Muscle Phosphorylase Kinase Deficiency; GSD IXd. Identifiers: Orphanet 715, MedGen C1845151, MONDO:0010362, OMIM 300559.

Allele frequency attached by ClinVar (database versions not stated): ExAC 0.00001; gnomAD 0.00003; TOPMed 0.00003; ESP Exome Variant Server 0.00009.
gnomAD v4.1: 5 of 1,190,519 alleles (0.00042%); highest among the groups gnomAD compares: African/African-American, 0.0088%; no homozygotes.

Submissions (2):

Women's Health and Genetics/Laboratory Corporation of America, LabCorp
Classification: Likely benign. Last evaluated: 2024-12-02. Review status: criteria provided, single submitter. Criteria: LabCorp Variant Classification Summary - May 2015. Collection method: clinical testing. Allele origin: germline.
Comment: Variant summary: PHKA1 c.3244-19T>C alters a conserved nucleotide located at a position not widely known to affect splicing. Consensus agreement among computation tools predict no significant impact on normal splicing. However, these predictions have yet to be confirmed by functional studies. The variant allele was found at a frequency of 5.5e-06 in 180942 control chromosomes. The available data on variant occurrences in the general population are insufficient to allow any conclusion about variant significance. To our knowledge, no occurrence of c.3244-19T>C in individuals affected with Glycogen Phosphorylase Kinase Deficiency and no experimental evidence demonstrating its impact on protein function have been reported. ClinVar contains an entry for this variant (Variation ID: 3019185). Based on the evidence outlined above, the variant was classified as likely benign.

Labcorp Genetics (formerly Invitae), Labcorp
Classification: Likely benign for Glycogen storage disease IXd. Last evaluated: 2024-10-12. Review status: criteria provided, single submitter. Criteria: Invitae Variant Classification Sherloc (09022015). Collection method: clinical testing. Allele origin: germline.